The following is an entry in ClinVar:

NM_000252.3(MTM1):c.678+5G>A

Gene: MTM1 (myotubularin 1; plus strand). Cytogenetic location: Xq28.
Variant type: single nucleotide variant.
Coding change: c.678+5G>A on transcript NM_000252.3 (MANE Select); 5 bases into the intron after coding-DNA position 678, G replaced by A.
Molecular consequence: intron variant.
Genome position (GRCh38, 1-based): chrX:150,641,423, G>A. VCF-style: chrX-150641423-G-A. GRCh37 (hg19) VCF-style: chrX-149809896-G-A.
Other names: c.678+5G>A (NM_001376908.1, NM_001376906.1); c.567+5G>A (NM_001376907.1).
Identifiers: ClinVar variation 2071496 (VCV002071496.4), dbSNP rs2522362777, ClinGen allele CA2580101640.
Genomic context (GRCh38, chrX:150,641,423, plus strand): 5'-CCTCAGATGATGACCTCCGGAGAGTTGCAACTTTTAGGTCCCGAAATCGAATTCCAGTGA[G>A]TACTGCAATTAACGTTTCTCTTGAAGAGCACCTTTTAGTCCATAAGAATGGTAGTCATAT-3'

ClinVar aggregate classification (germline): Uncertain significance (1 of 4 stars; one submission).

Conditions:
Severe X-linked myotubular myopathy (CNMX). Also called: Myotubular myopathy, X-linked; MYOTUBULAR MYOPATHY 1; X-linked centronuclear myopathy. Identifiers: Orphanet 596, MedGen C0410203, MONDO:0010683, OMIM 310400.

Submission:

Labcorp Genetics (formerly Invitae), Labcorp
Classification: Uncertain significance for Severe X-linked myotubular myopathy. Last evaluated: 2022-01-03. Review status: criteria provided, single submitter. Criteria: Invitae Variant Classification Sherloc (09022015). Collection method: clinical testing. Allele origin: germline.
Comment: Variants that disrupt the consensus splice site are a relatively common cause of aberrant splicing (PMID: 17576681, 9536098). Algorithms developed to predict the effect of sequence changes on RNA splicing suggest that this variant may disrupt the consensus splice site. In summary, the available evidence is currently insufficient to determine the role of this variant in disease. Therefore, it has been classified as a Variant of Uncertain Significance. This variant has not been reported in the literature in individuals affected with MTM1-related conditions. This variant is not present in population databases (gnomAD no frequency). This sequence change falls in intron 8 of the MTM1 gene. It does not directly change the encoded amino acid sequence of the MTM1 protein. It affects a nucleotide within the consensus splice site.

Literature cited by the submitters: PubMed 17576681; PubMed 9536098.